The following is an entry in ClinVar:

NM_207346.3(TSEN54):c.1062_1091del (p.His355_Glu364del)

Gene: TSEN54 (tRNA splicing endonuclease subunit 54; plus strand). Cytogenetic location: 17q25.1.
Variant type: Deletion.
Coding change: c.1062_1091del on transcript NM_207346.3 (MANE Select); coding-DNA positions 1062 to 1091, 30 bases deleted (GCACCACGCGGAGGCCGCGCAGTTCCAGGA).
Protein change: p.His355_Glu364del.
Molecular consequence: inframe deletion.
Genome position (GRCh38, 1-based): chr17:75,522,143-75,522,172, GCACCACGCGGAGGCCGCGCAGTTCCAGGA deleted; deleting any 30 consecutive bases within chr17:75,522,140-75,522,172 gives the same sequence; the c. name uses the placement nearest the transcript's 3' end. VCF-style (leftmost placement, unchanged base first): chr17-75522139-GGGAGCACCACGCGGAGGCCGCGCAGTTCCA-G. GRCh37 (hg19) VCF-style: chr17-73518220-GGGAGCACCACGCGGAGGCCGCGCAGTTCCA-G.
Identifiers: ClinVar variation 2100596 (VCV002100596.4), dbSNP rs2546157237, ClinGen allele CA2580095216.

ClinVar aggregate classification (germline): Uncertain significance (1 of 4 stars; one submission).

Submission:

Labcorp Genetics (formerly Invitae), Labcorp
Classification: Uncertain significance. Last evaluated: 2022-02-20. Review status: criteria provided, single submitter. Criteria: Invitae Variant Classification Sherloc (09022015). Collection method: clinical testing. Allele origin: germline.
Comment: In summary, the available evidence is currently insufficient to determine the role of this variant in disease. Therefore, it has been classified as a Variant of Uncertain Significance. Experimental studies and prediction algorithms are not available or were not evaluated, and the functional significance of this variant is currently unknown. This variant has not been reported in the literature in individuals affected with TSEN54-related conditions. This variant is not present in population databases (gnomAD no frequency). This variant, c.1062_1091del, results in the deletion of 10 amino acid(s) of the TSEN54 protein (p.His355_Glu364del), but otherwise preserves the integrity of the reading frame.